The following is an entry in ClinVar:

NM_001145026.2(PTPRQ):c.6858G>A (p.Met2286Ile)

Gene: PTPRQ (protein tyrosine phosphatase receptor type Q; plus strand). Cytogenetic location: 12q21.31.
Variant type: single nucleotide variant.
Coding change: c.6858G>A on transcript NM_001145026.2 (MANE Select); coding-DNA position 6858, G replaced by A.
Protein change: p.Met2286Ile; replaces methionine 2286 with isoleucine.
Molecular consequence: missense variant.
Genome position (GRCh38, 1-based): chr12:80,678,721, G>A. VCF-style: chr12-80678721-G-A. GRCh37 (hg19) VCF-style: chr12-81072500-G-A.
Other names: short protein forms M2286I.
Identifiers: ClinVar variation 1310820 (VCV001310820.2), dbSNP rs1363837737, ClinGen allele CA385937322.

ClinVar aggregate classification (germline): Uncertain significance (1 of 4 stars; one submission).

Allele frequency attached by ClinVar (database versions not stated): gnomAD exomes below 0.00001 and 0.00001; TOPMed below 0.00001; gnomAD 0.00001.
gnomAD v4.1: 2 of 1,548,234 alleles (0.00013%); highest among the groups gnomAD compares: African/African-American, 0.0014%; no homozygotes.

Submission:

GeneDx
Classification: Uncertain significance. Last evaluated: 2019-12-03. Review status: criteria provided, single submitter. Criteria: GeneDx Variant Classification Process June 2021. Collection method: clinical testing. Allele origin: germline. Affected: yes.
Comment: Not observed at a significant frequency in large population cohorts (Lek et al., 2016); In silico analysis, which includes protein predictors and evolutionary conservation, supports that this variant does not alter protein structure/function; Has not been previously published as pathogenic or benign to our knowledge